The following is an entry in ClinVar:

NM_015205.3(ATP11A):c.1791A>C (p.Arg597Ser)

Gene: ATP11A (ATPase phospholipid transporting 11A; plus strand). Cytogenetic location: 13q34.
Variant type: single nucleotide variant.
Coding change: c.1791A>C on transcript NM_015205.3 (MANE Select); coding-DNA position 1791, A replaced by C.
Protein change: p.Arg597Ser; replaces arginine 597 with serine.
Molecular consequence: missense variant.
Genome position (GRCh38, 1-based): chr13:112,842,361, A>C. VCF-style: chr13-112842361-A-C. GRCh37 (hg19) VCF-style: chr13-113496675-A-C.
Other names: c.1791A>C, p.Arg597Ser (NM_001405661.1, NM_001405662.1, NM_001405663.1 and 1 more transcripts); short protein forms R597S.
Identifiers: ClinVar variation 4983093 (VCV004983093.1).

ClinVar aggregate classification (germline): Uncertain significance (1 of 4 stars; one submission).

Conditions:
ATP11A-related disorder. Also called: ATP11A-related condition.

gnomAD v4.1: 1 of 1,607,776 alleles (0.000062%); highest among the groups gnomAD compares: Non-Finnish European, 0.000085%; no homozygotes.

Submission:

PreventionGenetics, part of Exact Sciences
Classification: Uncertain significance for ATP11A-related condition. Last evaluated: 2025-12-30. Review status: criteria provided, single submitter. Criteria: ACMG Guidelines, 2015. Collection method: clinical testing. Allele origin: germline.
Comment: The ATP11A c.1791A>C variant is predicted to result in the amino acid substitution p.Arg597Ser. To our knowledge, this variant has not been reported in the literature or in a large population database (gnomAD), indicating this variant is rare. At this time, the clinical significance of this variant is uncertain due to the absence of conclusive functional and genetic evidence.